The following is an entry in ClinVar:

NM_001080477.4(TENM3):c.5605A>G (p.Met1869Val)

Gene: TENM3 (teneurin transmembrane protein 3; plus strand). Cytogenetic location: 4q35.1.
Variant type: single nucleotide variant.
Coding change: c.5605A>G on transcript NM_001080477.4 (MANE Select); coding-DNA position 5605, A replaced by G.
Protein change: p.Met1869Val; replaces methionine 1869 with valine.
Molecular consequence: missense variant.
Genome position (GRCh38, 1-based): chr4:182,792,277, A>G. VCF-style: chr4-182792277-A-G. GRCh37 (hg19) VCF-style: chr4-183713430-A-G.
Other names: c.4837A>G, p.Met1613Val (NM_001415960.1); c.4810A>G, p.Met1604Val (NM_001415961.1); c.4807A>G, p.Met1603Val (NM_001415962.1); c.4789A>G, p.Met1597Val (NM_001415963.1); c.4786A>G, p.Met1596Val (NM_001415964.1); c.5323A>G, p.Met1775Val (NM_001415966.1); c.5347A>G, p.Met1783Val (NM_001415967.1); c.5623A>G, p.Met1875Val (NM_001415968.1); and 4 more; short protein forms M1604V, M1869V, M1596V, M1613V, M1775V, M1776V, M1783V, M1603V.
Identifiers: ClinVar variation 3175911 (VCV003175911.2), dbSNP rs572877475, ClinGen allele CA3148675.

ClinVar aggregate classification (germline): Uncertain significance (1 of 4 stars; one submission).

Conditions:
Inborn genetic diseases. Identifiers: MedGen C0950123, MeSH D030342.

Allele frequency attached by ClinVar (database versions not stated): 1000 Genomes Project 30x 0.00031; gnomAD 0.00002; TOPMed 0.00002; gnomAD exomes 0.00001; ExAC 0.00004; 1000 Genomes Project 0.00020.

Submission:

Ambry Genetics
Classification: Uncertain significance for Inborn genetic diseases. Last evaluated: 2026-05-05. Review status: criteria provided, single submitter. Criteria: Ambry Variant Classification Scheme 2023. Collection method: clinical testing. Allele origin: germline.
Comment: The c.5605A>G (p.M1869V) alteration is located in exon 25 (coding exon 25) of the TENM3 gene. This alteration results from a A to G substitution at nucleotide position 5605, causing the methionine (M) at amino acid position 1869 to be replaced by a valine (V). Based on data from gnomAD, the G allele has an overall frequency of 0.002% (5/247666) total alleles studied. The highest observed frequency was 0.004% (4/111676) of European (non-Finnish) alleles. Based on insufficient or conflicting evidence, the clinical significance of this alteration remains unclear.